The following is an entry in ClinVar:

ClinVar aggregate classification (germline): Uncertain significance (1 of 4 stars; one submission).

Allele frequency attached by ClinVar (database versions not stated): gnomAD exomes below 0.00001 and 0.00001; ExAC 0.00001; TOPMed 0.00001.
gnomAD v4.1: 2 of 1,613,898 alleles (0.00012%); highest among the groups gnomAD compares: Admixed American, 0.0033%; no homozygotes.

Submission:

Labcorp Genetics (formerly Invitae), Labcorp
Classification: Uncertain significance. Last evaluated: 2022-07-06. Review status: criteria provided, single submitter. Criteria: Invitae Variant Classification Sherloc (09022015). Collection method: clinical testing. Allele origin: germline.
Comment: In summary, the available evidence is currently insufficient to determine the role of this variant in disease. Therefore, it has been classified as a Variant of Uncertain Significance. Advanced modeling of protein sequence and biophysical properties (such as structural, functional, and spatial information, amino acid conservation, physicochemical variation, residue mobility, and thermodynamic stability) performed at Invitae indicates that this missense variant is not expected to disrupt GNAT2 protein function. ClinVar contains an entry for this variant (Variation ID: 1024806). This variant has not been reported in the literature in individuals affected with GNAT2-related conditions. This variant is present in population databases (rs753984783, gnomAD 0.006%). This sequence change replaces glutamine, which is neutral and polar, with glutamic acid, which is acidic and polar, at codon 106 of the GNAT2 protein (p.Gln106Glu).

NM_001377295.2(GNAT2):c.316C>G (p.Gln106Glu)

Gene: GNAT2 (G protein subunit alpha transducin 2; minus strand). Cytogenetic location: 1p13.3.
Variant type: single nucleotide variant.
Coding change: c.316C>G on transcript NM_001377295.2 (MANE Select); coding-DNA position 316, C replaced by G.
Protein change: p.Gln106Glu; replaces glutamine 106 with glutamic acid.
Molecular consequence: missense variant.
Genome position (GRCh38, 1-based): chr1:109,608,776, G>C on the plus strand (C>G on the coding strand, the complement: GNAT2 is on the minus strand). VCF-style: chr1-109608776-G-C. GRCh37 (hg19) VCF-style: chr1-110151398-G-C.
Other names: c.316C>G, p.Gln106Glu (NM_001379232.1, NM_005272.5); short protein forms Q106E.
Identifiers: ClinVar variation 1024806 (VCV001024806.8), dbSNP rs753984783, ClinGen allele CA992452.